The following is an entry in ClinVar:

NM_002168.4(IDH2):c.104C>A (p.Pro35Gln)

Genes: IDH2 (isocitrate dehydrogenase (NADP(+)) 2; minus strand), IDH2-DT (IDH2 divergent transcript; plus strand). Cytogenetic location: 15q26.1.
Variant type: single nucleotide variant.
Coding change: c.104C>A on transcript NM_002168.4 (MANE Select); coding-DNA position 104, C replaced by A.
Protein change: p.Pro35Gln; replaces proline 35 with glutamine.
Molecular consequence: missense variant. On other transcripts: non-coding transcript variant (1), 5 prime UTR variant (1).
Genome position (GRCh38, 1-based): chr15:90,102,287, G>T on the plus strand (C>A on the coding strand, the complement: IDH2 is on the minus strand). VCF-style: chr15-90102287-G-T. GRCh37 (hg19) VCF-style: chr15-90645519-G-T.
Other names: c.-29C>A (NM_001290114.2); short protein forms P35Q.
Identifiers: ClinVar variation 2717827 (VCV002717827.3), dbSNP rs886385060, ClinGen allele CA393803463.

ClinVar aggregate classification (germline): Uncertain significance (1 of 4 stars; one submission).

Conditions:
D-2-hydroxyglutaric aciduria 2 (D2HGA2). Identifiers: Orphanet 79315, MedGen C3150909, MONDO:0013345, OMIM 613657.

Submission:

Labcorp Genetics (formerly Invitae), Labcorp
Classification: Uncertain significance for D-2-hydroxyglutaric aciduria 2. Last evaluated: 2023-11-17. Review status: criteria provided, single submitter. Criteria: Invitae Variant Classification Sherloc (09022015). Collection method: clinical testing. Allele origin: germline.
Comment: This sequence change replaces proline, which is neutral and non-polar, with glutamine, which is neutral and polar, at codon 35 of the IDH2 protein (p.Pro35Gln). This variant is not present in population databases (gnomAD no frequency). This variant has not been reported in the literature in individuals affected with IDH2-related conditions. An algorithm developed to predict the effect of missense changes on protein structure and function (PolyPhen-2) suggests that this variant is likely to be tolerated. In summary, the available evidence is currently insufficient to determine the role of this variant in disease. Therefore, it has been classified as a Variant of Uncertain Significance.